The following is an entry in ClinVar:

NM_003356.4(UCP3):c.378A>G (p.Thr126=)

Gene: UCP3 (uncoupling protein 3; minus strand). Cytogenetic location: 11q13.4.
Variant type: single nucleotide variant.
Coding change: c.378A>G on transcript NM_003356.4 (MANE Select); coding-DNA position 378, A replaced by G.
Protein change: p.Thr126=; no amino-acid change (threonine 126 retained).
Molecular consequence: synonymous variant.
Genome position (GRCh38, 1-based): chr11:74,005,893, T>C on the plus strand (A>G on the coding strand, the complement: UCP3 is on the minus strand). VCF-style: chr11-74005893-T-C. GRCh37 (hg19) VCF-style: chr11-73716938-T-C.
Other names: c.378A>G, p.Thr126= (NM_022803.3).
Identifiers: ClinVar variation 4988245 (VCV004988245.1).

ClinVar aggregate classification (germline): Likely benign (1 of 4 stars; one submission).

Conditions:
UCP3-related disorder. Also called: UCP3-related condition.

Submission:

PreventionGenetics, part of Exact Sciences
Classification: Likely benign for UCP3-related condition. Last evaluated: 2024-10-15. Review status: criteria provided, single submitter. Criteria: ACMG Guidelines, 2015. Collection method: clinical testing. Allele origin: germline.
Comment: This variant is classified as likely benign based on ACMG/AMP sequence variant interpretation guidelines (Richards et al. 2015 PMID: 25741868, with internal and published modifications).